The following is an entry in ClinVar:

ClinVar aggregate classification (germline): Uncertain significance (1 of 4 stars; one submission).

Conditions:
XPO5-related disorder. Also called: XPO5-related condition.

Submission:

PreventionGenetics, part of Exact Sciences
Classification: Uncertain significance for XPO5-related condition. Last evaluated: 2023-07-14. Review status: criteria provided, single submitter. Criteria: ACMG Guidelines, 2015. Collection method: clinical testing. Allele origin: germline.
Comment: The XPO5 c.1573-3C>T variant is predicted to interfere with splicing. To our knowledge, this variant has not been reported in the literature or in a large population database, indicating this variant is rare. At this time, the clinical significance of this variant is uncertain due to the absence of conclusive functional and genetic evidence.

NM_020750.3(XPO5):c.1573-3C>T

Genes: POLR1C (RNA polymerase I and III subunit C; plus strand), XPO5 (exportin 5; minus strand). Cytogenetic location: 6p21.1.
Variant type: single nucleotide variant.
Coding change: c.1573-3C>T on transcript NM_020750.3 (MANE Select); 3 bases into the intron before coding-DNA position 1573, C replaced by T.
Molecular consequence: intron variant.
Genome position (GRCh38, 1-based): chr6:43,551,456, G>A on the plus strand (C>T on the coding strand, the complement: XPO5 is on the minus strand). VCF-style: chr6-43551456-G-A. GRCh37 (hg19) VCF-style: chr6-43519193-G-A.
Other names: c.*42+445G>A (NM_001363658.2).
Identifiers: ClinVar variation 2631506 (VCV002631506.1), dbSNP rs2483082027, ClinGen allele CA2578628119.